The following is an entry in ClinVar:

NM_000179.3(MSH6):c.905G>A (p.Arg302Lys)

Gene: MSH6 (mutS homolog 6; plus strand). Cytogenetic location: 2p16.3.
Variant type: single nucleotide variant.
Coding change: c.905G>A on transcript NM_000179.3 (MANE Select); coding-DNA position 905, G replaced by A.
Protein change: p.Arg302Lys; replaces arginine 302 with lysine.
Molecular consequence: missense variant. On other transcripts: 5 prime UTR variant (9), non-coding transcript variant (4), intron variant (1).
Genome position (GRCh38, 1-based): chr2:47,798,888, G>A. VCF-style: chr2-47798888-G-A. GRCh37 (hg19) VCF-style: chr2-48026027-G-A.
Other names: c.1001G>A, p.Arg334Lys (NM_001406795.1, NM_001406802.1); c.905G>A, p.Arg302Lys (NM_001406796.1, NM_001406798.1, NM_001406800.1 and 4 more transcripts); c.608G>A, p.Arg203Lys (NM_001406797.1, NM_001406805.1, NM_001406801.1 and 10 more transcripts); c.380G>A, p.Arg127Lys (NM_001406799.1, NM_001406806.1, NM_001406807.1); c.827G>A, p.Arg276Lys (NM_001406804.1); c.-2G>A (NM_001406811.1, NM_001406814.1, NM_001406815.1 and 6 more transcripts); c.911G>A, p.Arg304Lys (NM_001406813.1); c.515G>A, p.Arg172Lys (NM_001281492.2); and 2 more; short protein forms R302K, R172K, R127K, R203K, R246K, R276K, R304K, R334K.
Identifiers: ClinVar variation 216324 (VCV000216324.27), dbSNP rs587781510, ClinGen allele CA073568.
Genomic context (GRCh38, chr2:47,798,888, plus strand): 5'-TGGGGGATAGTGAGAGTGAAGGCCTGAACAGCCCTGTCAAAGTTGCTCGAAAGCGGAAGA[G>A]AATGGTGACTGGAAATGGCTCTCTTAAAAGGAAAAGCTCTAGGAAGGAAACGCCCTCAGC-3'
Protein context (NP_000170.1, residues 292-312): SPVKVARKRK[Arg302Lys]MVTGNGSLKR

ClinVar aggregate classification (germline): Conflicting classifications of pathogenicity. Review status: criteria provided, conflicting classifications (1 of 4 stars). 6 submissions from 6 submitters: Uncertain significance (4); Benign (1); Likely benign (1). Last evaluated 2025-11-26.

Conditions:
Hereditary nonpolyposis colorectal neoplasms. Identifiers: MedGen C0009405, MeSH D003123.
Lynch syndrome 5 (LYNCH5). Also called: Hereditary non-polyposis colorectal cancer, type 5; Colorectal cancer, hereditary nonpolyposis, type 5. Identifiers: Orphanet 144, MedGen C1833477, MONDO:0013710, OMIM 614350. Disease mechanism: loss of function.
Mismatch repair cancer syndrome 1 (MMRCS1). Also called: BRAIN TUMOR-POLYPOSIS SYNDROME 1; BTP1 SYNDROME; CHILDHOOD CANCER SYNDROME; MISMATCH REPAIR DEFICIENCY; MMR DEFICIENCY. Identifiers: Orphanet 252202, MedGen C5399763, MONDO:0010159, OMIM 276300. Disease mechanism: loss of function.
Hereditary cancer-predisposing syndrome. Also called: Hereditary Cancer Syndrome; Hereditary neoplastic syndrome; Neoplastic Syndromes, Hereditary; Tumor predisposition. Identifiers: Orphanet 140162, MedGen C0027672, MeSH D009386, MONDO:0015356.
Lynch syndrome. Identifiers: Orphanet 144, MedGen C4552100, MONDO:0005835. Disease mechanism: loss of function.

Allele frequency attached by ClinVar (database versions not stated): gnomAD 0.00001; TOPMed 0.00001.
gnomAD v4.1: 2 of 1,614,052 alleles (0.00012%); highest among the groups gnomAD compares: Non-Finnish European, 0.00017%; no homozygotes.

Submissions (6):

Labcorp Genetics (formerly Invitae), Labcorp
Classification: Benign for Hereditary nonpolyposis colorectal neoplasms. Last evaluated: 2025-11-26. Review status: criteria provided, single submitter. Criteria: Invitae Variant Classification Sherloc (09022015). Collection method: clinical testing. Allele origin: germline.

Color Diagnostics, LLC DBA Color Health
Classification: Uncertain significance for Hereditary cancer-predisposing syndrome. Last evaluated: 2025-10-13. Review status: criteria provided, single submitter. Criteria: ACMG Guidelines, 2015. Collection method: clinical testing. Allele origin: germline.
Comment: This missense variant replaces arginine with lysine at codon 302 of the MSH6 protein. Computational prediction suggests that this variant may not impact protein structure and function. To our knowledge, functional studies have not been reported for this variant. This variant has not been reported in individuals affected with MSH6-related disorders in the literature. This variant has been identified in 2/1614052 chromosomes in the general population by the Genome Aggregation Database (gnomAD). The available evidence is insufficient to determine the role of this variant in disease conclusively. Therefore, this variant is classified as a Variant of Uncertain Significance.

Women's Health and Genetics/Laboratory Corporation of America, LabCorp
Classification: Uncertain significance. Last evaluated: 2024-09-06. Review status: criteria provided, single submitter. Criteria: LabCorp Variant Classification Summary - May 2015. Collection method: clinical testing. Allele origin: germline.

All of Us Research Program, National Institutes of Health
Classification: Uncertain significance for Lynch syndrome. Last evaluated: 2024-07-10. Review status: criteria provided, single submitter. Criteria: ACMG Guidelines, 2015. Collection method: clinical testing. Allele origin: germline. Inheritance: Autosomal dominant inheritance. Observed: 5 variant alleles, 5 heterozygotes.
Comment: This missense variant replaces arginine with lysine at codon 302 of the MSH6 protein. Computational prediction suggests that this variant may not impact protein structure and function (internally defined REVEL score threshold <= 0.5, PMID: 27666373). To our knowledge, functional studies have not been reported for this variant. This variant has not been reported in individuals affected with MSH6-related disorders in the literature. This variant has been identified in 1/251320 chromosomes in the general population by the Genome Aggregation Database (gnomAD). The available evidence is insufficient to determine the role of this variant in disease conclusively. Therefore, this variant is classified as a Variant of Uncertain Significance.

This study involves interpretation of variants in research participants for the purpose of population health screening. Participant phenotype was not available at the time of variant classification. Additional details can be found in publication PMID: 35346344, PMCID: PMC8962531

GeneDx
Classification: Uncertain significance. Last evaluated: 2019-05-15. Review status: criteria provided, single submitter. Criteria: GeneDx Variant Classification Process June 2021. Collection method: clinical testing. Allele origin: germline. Affected: yes.
Comment: Not observed at a significant frequency in large population cohorts (Lek et al., 2016); In silico analysis, which includes protein predictors and evolutionary conservation, supports that this variant does not alter protein structure/function; Has not been previously published as pathogenic or benign to our knowledge; This variant is associated with the following publications: (PMID: 30212499)

Ambry Genetics
Classification: Likely benign for Hereditary cancer-predisposing syndrome. Last evaluated: 2018-11-01. Review status: criteria provided, single submitter. Criteria: Ambry Variant Classification Scheme 2023. Collection method: clinical testing. Allele origin: germline.